The following is an entry in ClinVar:

NM_014874.4(MFN2):c.866T>C (p.Leu289Pro)

Gene: MFN2 (mitofusin 2; plus strand). Cytogenetic location: 1p36.22.
Variant type: single nucleotide variant.
Coding change: c.866T>C on transcript NM_014874.4 (MANE Select); coding-DNA position 866, T replaced by C.
Protein change: p.Leu289Pro; replaces leucine 289 with proline.
Molecular consequence: missense variant.
Genome position (GRCh38, 1-based): chr1:12,001,450, T>C. VCF-style: chr1-12001450-T-C. GRCh37 (hg19) VCF-style: chr1-12061507-T-C.
Other names: c.866T>C, p.Leu289Pro (NM_001127660.2); short protein forms L289P.
Identifiers: ClinVar variation 1722183 (VCV001722183.5), dbSNP rs2523053996, ClinGen allele CA338441652.

ClinVar aggregate classification (germline): Uncertain significance (1 of 4 stars; one submission).

Conditions:
Charcot-Marie-Tooth disease type 2. Also called: Charcot-Marie-Tooth type 2. Identifiers: Orphanet 64746, MedGen C0270914, MONDO:0018993.

Submission:

Labcorp Genetics (formerly Invitae), Labcorp
Classification: Uncertain significance for Charcot-Marie-Tooth disease type 2. Last evaluated: 2022-10-26. Review status: criteria provided, single submitter. Criteria: Invitae Variant Classification Sherloc (09022015). Collection method: clinical testing. Allele origin: germline.
Comment: This sequence change replaces leucine, which is neutral and non-polar, with proline, which is neutral and non-polar, at codon 289 of the MFN2 protein (p.Leu289Pro). This variant is not present in population databases (gnomAD no frequency). This variant has not been reported in the literature in individuals affected with MFN2-related conditions. Advanced modeling of protein sequence and biophysical properties (such as structural, functional, and spatial information, amino acid conservation, physicochemical variation, residue mobility, and thermodynamic stability) performed at Invitae indicates that this missense variant is expected to disrupt MFN2 protein function. In summary, the available evidence is currently insufficient to determine the role of this variant in disease. Therefore, it has been classified as a Variant of Uncertain Significance.